The following is an entry in ClinVar:

ClinVar aggregate classification (germline): Uncertain significance. Review status: criteria provided, multiple submitters, no conflicts (2 of 4 stars). 4 submissions from 4 submitters: Uncertain significance (3). 1 of the submissions does not count toward it. Last evaluated 2026-02-10.

Conditions:
LAMB1-related disorder. Also called: LAMB1-related condition.

Allele frequency attached by ClinVar (database versions not stated): TOPMed 0.00011; gnomAD 0.00012 and 0.00013; ExAC 0.00013; gnomAD exomes 0.00015 and 0.00017; 1000 Genomes Project 0.00020; 1000 Genomes Project 30x 0.00031.
gnomAD v4.1: 269 of 1,613,830 alleles (0.017%); highest among the groups gnomAD compares: Non-Finnish European, 0.021%; no homozygotes.

Submissions (4):

Women's Health and Genetics/Laboratory Corporation of America, LabCorp
Classification: Uncertain significance. Last evaluated: 2026-02-10. Review status: criteria provided, single submitter. Criteria: LabCorp Variant Classification Summary - May 2015. Collection method: clinical testing. Allele origin: germline.
Comment: Variant summary: LAMB1 c.4746-3C>A alters a nucleotide located close to a canonical splice site and therefore could affect mRNA splicing, leading to a significantly altered protein sequence. Consensus agreement among computation tools predict no significant impact on normal splicing. However, these predictions have yet to be confirmed by functional studies. The variant allele was found at a frequency of 0.00015 in 251122 control chromosomes. This frequency is not significantly higher than estimated for disease-causing variants in LAMB1, allowing no conclusion about variant significance. To our knowledge, no occurrence of c.4746-3C>A in individuals affected with LAMB1-related conditions and no experimental evidence demonstrating its impact on protein function have been reported. ClinVar contains an entry for this variant (Variation ID: 1219986). Based on the evidence outlined above, the variant was classified as uncertain significance.

Labcorp Genetics (formerly Invitae), Labcorp
Classification: Uncertain significance. Last evaluated: 2025-09-08. Review status: criteria provided, single submitter. Criteria: Invitae Variant Classification Sherloc (09022015). Collection method: clinical testing. Allele origin: germline.
Comment: This sequence change falls in intron 30 of the LAMB1 gene. It does not directly change the encoded amino acid sequence of the LAMB1 protein. It affects a nucleotide within the consensus splice site. This variant is present in population databases (rs200654865, gnomAD 0.02%). This variant has not been reported in the literature in individuals affected with LAMB1-related conditions. ClinVar contains an entry for this variant (Variation ID: 1219986). Variants that disrupt the consensus splice site are a relatively common cause of aberrant splicing (PMID: 17576681, 9536098). Algorithms developed to predict the effect of sequence changes on RNA splicing suggest that this variant may disrupt the consensus splice site. In summary, the available evidence is currently insufficient to determine the role of this variant in disease. Therefore, it has been classified as a Variant of Uncertain Significance.

GeneDx
Classification: Uncertain significance. Last evaluated: 2019-12-18. Review status: criteria provided, single submitter. Criteria: GeneDx Variant Classification Process June 2021. Collection method: clinical testing. Allele origin: germline. Affected: yes.
Comment: In silico analysis, which includes splice predictors and evolutionary conservation, supports a deleterious effect; Has not been previously published as pathogenic or benign to our knowledge

PreventionGenetics, part of Exact Sciences
Classification: Likely benign for LAMB1-related condition. Last evaluated: 2020-01-07. Review status: no assertion criteria provided. Collection method: clinical testing. Allele origin: germline. Not counted in ClinVar's aggregate classification.
Comment: This variant is classified as likely benign based on ACMG/AMP sequence variant interpretation guidelines (Richards et al. 2015 PMID: 25741868, with internal and published modifications).

Literature cited by the submitters: PubMed 17576681 (cited by Labcorp Genetics (formerly Invitae), Labcorp); PubMed 9536098 (cited by Labcorp Genetics (formerly Invitae), Labcorp).

NM_002291.3(LAMB1):c.4746-3C>A

Gene: LAMB1 (laminin subunit beta 1; minus strand). Cytogenetic location: 7q31.1.
Variant type: single nucleotide variant.
Coding change: c.4746-3C>A on transcript NM_002291.3 (MANE Select); 3 bases into the intron before coding-DNA position 4746, C replaced by A.
Molecular consequence: intron variant.
Genome position (GRCh38, 1-based): chr7:107,929,208, G>T on the plus strand (C>A on the coding strand, the complement: LAMB1 is on the minus strand). VCF-style: chr7-107929208-G-T. GRCh37 (hg19) VCF-style: chr7-107569653-G-T.
Other names: c.4746-3C>A (NM_002291.2).
Identifiers: ClinVar variation 1219986 (VCV001219986.11), dbSNP rs200654865, ClinGen allele CA4434948.
Genomic context (GRCh38, chr7:107,929,208, plus strand): 5'-TTCTTCCAGAGCTTCCTTTACCATATCTGCAGTGACTTTAACATCTGTTGCACTTTTGCT[G>T]AGTAAAAAATAATGAGACAGTATATTGTTGCTGAACATGAAAAAAGTACTCTCAGTGTTC-3'